The following is an entry in ClinVar:

NM_000379.4(XDH):c.3235G>A (p.Ala1079Thr)

Gene: XDH (xanthine dehydrogenase; minus strand). Cytogenetic location: 2p23.1.
Variant type: single nucleotide variant.
Coding change: c.3235G>A on transcript NM_000379.4 (MANE Select); coding-DNA position 3235, G replaced by A.
Protein change: p.Ala1079Thr; replaces alanine 1079 with threonine.
Molecular consequence: missense variant.
Genome position (GRCh38, 1-based): chr2:31,347,563, C>T on the plus strand (G>A on the coding strand, the complement: XDH is on the minus strand). VCF-style: chr2-31347563-C-T. GRCh37 (hg19) VCF-style: chr2-31570429-C-T.
Other names: short protein forms A1079T.
Identifiers: ClinVar variation 4745028 (VCV004745028.1).
Genomic context (GRCh38, chr2:31,347,563, plus strand): 5'-GATCCCATGGGCTCCTTACATAGACGGCCTGTCCATTGAGGTCAGCGCTGACAGAGGCAG[C>T]CGTGGGAGAGGTGTTGGGCACAGTGTTAGTGCTTGTCTCGCTGATATAAATCTTAGAGGT-3'
Protein context (NP_000370.2, residues 1069-1089): TNTVPNTSPT[Ala1079Thr]ASVSADLNGQ

ClinVar aggregate classification (germline): Uncertain significance (1 of 4 stars; one submission).

Conditions:
Xanthinuria type II. Also called: Xanthine dehydrogenase and aldehyde oxidase combined deficiency of; XDH and AOX dual deficiency. Identifiers: Orphanet 3467, Orphanet 93602, MedGen C1863688, MONDO:0011346, OMIM 603592.

gnomAD v4.1: 24 of 1,613,946 alleles (0.0015%); highest among the groups gnomAD compares: Admixed American, 0.005%; no homozygotes.

Submission:

Labcorp Genetics (formerly Invitae), Labcorp
Classification: Uncertain significance for Xanthinuria type II. Last evaluated: 2026-01-18. Review status: criteria provided, single submitter. Criteria: Invitae Variant Classification Sherloc (09022015). Collection method: clinical testing. Allele origin: germline.
Comment: This sequence change replaces alanine, which is neutral and non-polar, with threonine, which is neutral and polar, at codon 1079 of the XDH protein (p.Ala1079Thr). This variant is present in population databases (no rsID available, gnomAD 0.006%). This variant has not been reported in the literature in individuals affected with XDH-related conditions. An algorithm developed to predict the effect of missense changes on protein structure and function (PolyPhen-2) suggests that this variant is likely to be disruptive. In summary, the available evidence is currently insufficient to determine the role of this variant in disease. Therefore, it has been classified as a Variant of Uncertain Significance.